The following is an entry in ClinVar:

ClinVar aggregate classification (germline): Uncertain significance (1 of 4 stars; one submission).

Conditions:
Spermatogenic failure 29 (SPGF29). Identifiers: MedGen C4748142, MONDO:0054733, OMIM 618091.

Allele frequency attached by ClinVar (database versions not stated): ExAC 0.00005; gnomAD exomes 0.00005 and 0.00007; ESP Exome Variant Server 0.00008; gnomAD 0.00011; TOPMed 0.00012.
gnomAD v4.1: 126 of 1,605,554 alleles (0.0078%); highest among the groups gnomAD compares: Middle Eastern, 0.033%; no homozygotes.

Submission:

Baylor Genetics
Classification: Uncertain significance for Spermatogenic failure 29. Last evaluated: 2020-01-22. Review status: criteria provided, single submitter. Criteria: ACMG Guidelines, 2015. Collection method: clinical testing. Allele origin: unknown. Affected: yes.
Comment: This variant was determined to be of uncertain significance according to ACMG Guidelines, 2015 [PMID:25741868].

NM_001271718.2(SPINK2):c.360-3C>T

Gene: SPINK2 (serine peptidase inhibitor Kazal type 2; minus strand). Cytogenetic location: 4q12.
Variant type: single nucleotide variant.
Coding change: c.360-3C>T on transcript NM_001271718.2 (MANE Select); 3 bases into the intron before coding-DNA position 360, C replaced by T.
Molecular consequence: intron variant.
Genome position (GRCh38, 1-based): chr4:56,810,187, G>A on the plus strand (C>T on the coding strand, the complement: SPINK2 is on the minus strand). VCF-style: chr4-56810187-G-A. GRCh37 (hg19) VCF-style: chr4-57676353-G-A.
Other names: c.210-3C>T (NM_021114.4); c.*8-3C>T (NM_001271721.2, NM_001271719.2); c.315-3C>T (NM_001271720.2); c.206-3C>T (NM_001271722.2).
Identifiers: ClinVar variation 1028720 (VCV001028720.1), dbSNP rs375854132, ClinGen allele CA2931921.